The following is an entry in ClinVar:

NM_001134673.4(NFIA):c.1255-8_1255-7insT

Gene: NFIA (nuclear factor I A; plus strand). Cytogenetic location: 1p31.3.
Variant type: Insertion.
Coding change: c.1255-8_1255-7insT on transcript NM_001134673.4 (MANE Select); 8 bases into the intron before coding-DNA position 1255 through 7 bases into the intron before coding-DNA position 1255, T inserted.
Molecular consequence: intron variant.
Genome position: GRCh38 VCF-style: chr1-61406554-C-CT. GRCh37 (hg19) VCF-style: chr1-61872226-C-CT.
Other names: c.1231-8_1231-7insT (NM_001145511.2); c.1390-8_1390-7insT (NM_001145512.2); c.1255-8_1255-7insT (NM_005595.5).
Identifiers: ClinVar variation 3043270 (VCV003043270.3), dbSNP rs774320938, ClinGen allele CA881238.

ClinVar aggregate classification (germline): Likely benign. Review status: criteria provided, single submitter (1 of 4 stars). 2 submissions from 2 submitters: Likely benign (1). 1 of the submissions does not count toward it. Last evaluated 2024-10-21.

Conditions:
NFIA-Related Disorder. Also called: NFIA-related condition; NFIA-related disorders. Identifiers: MedGen CN381099.

Submissions (2):

Blueprint Genetics
Classification: Likely benign. Last evaluated: 2024-10-21. Review status: criteria provided, single submitter. Criteria: ACMG Guidelines, 2015. Collection method: clinical testing. Allele origin: germline.

PreventionGenetics, part of Exact Sciences
Classification: Likely benign for NFIA-related condition. Last evaluated: 2019-06-25. Review status: no assertion criteria provided. Collection method: clinical testing. Allele origin: germline. Not counted in ClinVar's aggregate classification.
Comment: This variant is classified as likely benign based on ACMG/AMP sequence variant interpretation guidelines (Richards et al. 2015 PMID: 25741868, with internal and published modifications).